The following is an entry in ClinVar:

ClinVar aggregate classification (germline): Likely benign (0 of 4 stars; one submission).

Conditions:
KIF1B-related disorder. Also called: KIF1B-related condition.

Allele frequency attached by ClinVar (database versions not stated): TOPMed below 0.00001.

Submission:

PreventionGenetics, part of Exact Sciences
Classification: Likely benign for KIF1B-related condition. Last evaluated: 2019-03-28. Review status: no assertion criteria provided. Collection method: clinical testing. Allele origin: germline.
Comment: This variant is classified as likely benign based on ACMG/AMP sequence variant interpretation guidelines (Richards et al. 2015 PMID: 25741868, with internal and published modifications).

NM_001365951.3(KIF1B):c.2115+6733T>C

Gene: KIF1B (kinesin family member 1B; plus strand). Cytogenetic location: 1p36.22.
Variant type: single nucleotide variant.
Coding change: c.2115+6733T>C on transcript NM_001365951.3 (MANE Select); 6733 bases into the intron after coding-DNA position 2115, T replaced by C.
Molecular consequence: intron variant. On other transcripts: synonymous variant (2).
Genome position (GRCh38, 1-based): chr1:10,303,979, T>C. VCF-style: chr1-10303979-T-C. GRCh37 (hg19) VCF-style: chr1-10364037-T-C.
Other names: c.2794T>C, p.Leu932= (NM_001365953.1, NM_183416.4); c.1977+6733T>C (NM_015074.3); c.2115+6733T>C (NM_001365952.1).
Identifiers: ClinVar variation 3058697 (VCV003058697.2), dbSNP rs1650681302, ClinGen allele CA1153157813.